The following is an entry in ClinVar:

ClinVar aggregate classification (germline): Uncertain significance (1 of 4 stars; one submission).

Conditions:
Hereditary cancer-predisposing syndrome. Also called: Neoplastic Syndromes, Hereditary; Tumor predisposition; Hereditary Cancer Syndrome; Hereditary neoplastic syndrome. Identifiers: Orphanet 140162, MedGen C0027672, MeSH D009386, MONDO:0015356.

Submission:

Ambry Genetics
Classification: Uncertain significance for Hereditary cancer-predisposing syndrome. Last evaluated: 2023-07-24. Review status: criteria provided, single submitter. Criteria: Ambry Variant Classification Scheme 2023. Collection method: clinical testing. Allele origin: germline.
Comment: The c.2187G>T variant (also known as p.L729L), located in coding exon 14 of the CDH1 gene, results from a G to T substitution at nucleotide position 2187. This nucleotide substitution does not change the leucine at codon 729. This nucleotide position is poorly conserved in available vertebrate species. In silico splice site analysis predicts that this alteration may weaken the native splice acceptor site and may result in the creation or strengthening of a novel splice acceptor site. Since supporting evidence is limited at this time, the clinical significance of this alteration remains unclear.

NM_004360.5(CDH1):c.2187G>T (p.Leu729=)

Gene: CDH1 (cadherin 1; plus strand). Cytogenetic location: 16q22.1.
Variant type: single nucleotide variant.
Coding change: c.2187G>T on transcript NM_004360.5 (MANE Select); coding-DNA position 2187, G replaced by T.
Protein change: p.Leu729=; no amino-acid change (leucine 729 retained).
Molecular consequence: synonymous variant.
Genome position (GRCh38, 1-based): chr16:68,828,196, G>T. VCF-style: chr16-68828196-G-T. GRCh37 (hg19) VCF-style: chr16-68862099-G-T.
Other names: c.2004G>T, p.Leu668= (NM_001317184.2); c.639G>T, p.Leu213= (NM_001317185.2); c.222G>T, p.Leu74= (NM_001317186.2).
Identifiers: ClinVar variation 1787355 (VCV001787355.4), dbSNP rs961833483, ClinGen allele CA496157130.